The following is an entry in ClinVar:

NM_004360.5(CDH1):c.2272G>T (p.Glu758Ter)

Gene: CDH1 (cadherin 1; plus strand). Cytogenetic location: 16q22.1.
Variant type: single nucleotide variant.
Coding change: c.2272G>T on transcript NM_004360.5 (MANE Select); coding-DNA position 2272, G replaced by T.
Protein change: p.Glu758Ter; replaces glutamic acid 758 with a stop codon.
Molecular consequence: nonsense.
Genome position (GRCh38, 1-based): chr16:68,828,281, G>T. VCF-style: chr16-68828281-G-T. GRCh37 (hg19) VCF-style: chr16-68862184-G-T.
Other names: c.2272G>T (LRG_301t1); c.2089G>T, p.Glu697Ter (NM_001317184.2); c.724G>T, p.Glu242Ter (NM_001317185.2); c.307G>T, p.Glu103Ter (NM_001317186.2); short protein forms E758*, E103*, E242*, E697*.
Identifiers: ClinVar variation 532441 (VCV000532441.12), dbSNP rs786202785, ClinGen allele CA396470014.

ClinVar aggregate classification (germline): Pathogenic. Review status: reviewed by expert panel (3 of 4 stars). 3 submissions from 3 submitters: Pathogenic (1). 2 of the submissions do not count toward it. Last evaluated 2023-08-04.

Conditions:
Hereditary diffuse gastric adenocarcinoma (HDGC). Also called: DIFFUSE GASTRIC AND LOBULAR BREAST CANCER SYNDROME. Identifiers: Orphanet 26106, MedGen C1708349, MONDO:0007648, OMIM 137215.
CDH1-related diffuse gastric and lobular breast cancer syndrome. Also called: CDH1-related diffuse gastric and lobular breast cancer. Identifiers: MedGen CN311521, MONDO:0100488.

Submissions (3):

Clingen Gastric Cancer Variant Curation Expert Panel
Classification: Pathogenic for CDH1-related diffuse gastric and lobular breast cancer syndrome. Last evaluated: 2023-08-04. Review status: reviewed by expert panel. Criteria: ClinGen CDH1 ACMG Specifications V3.1. Collection method: curation. Allele origin: germline. Inheritance: Autosomal dominant inheritance.
Comment: The c.2272G>T (p.Lys758Ter) variant is predicted to result in a premature stop codon that leads to nonsense mediate decay (PVS1 and PM5_supporting). The variant is absent in the gnomAD cohort (PM2_supporting). Therefore, this variant meets criteria to be classified as pathogenic based on the ACMG/AMP criteria applied as specified by the CDH1 Variant Curation Expert Panel (CDH1 VCEP specifications version 3.1): PVS1, PM2_supporting, PM5_supporting.

Myriad Genetics, Inc.
Classification: Pathogenic for Hereditary diffuse gastric adenocarcinoma. Last evaluated: 2026-07-08. Review status: criteria provided, single submitter. Criteria: Myriad Autosomal Dominant, Autosomal Recessive and X-Linked Classification Criteria (2023). Collection method: clinical testing. Allele origin: unknown. Not counted in ClinVar's aggregate classification.
Comment: This variant is considered pathogenic. This variant creates a termination codon and is predicted to result in premature protein truncation.

Labcorp Genetics (formerly Invitae), Labcorp
Classification: Pathogenic for Hereditary diffuse gastric adenocarcinoma. Last evaluated: 2017-10-10. Review status: criteria provided, single submitter. Criteria: Invitae Variant Classification Sherloc (09022015). Collection method: clinical testing. Allele origin: germline. Not counted in ClinVar's aggregate classification.
Comment: Loss-of-function variants in CDH1 are known to be pathogenic (PMID: 15235021, 20373070). This variant has not been reported in the literature in individuals with CDH1-related disease. This variant is not present in population databases (ExAC no frequency). This sequence change creates a premature translational stop signal (p.Glu758*) in the CDH1 gene. It is expected to result in an absent or disrupted protein product. For these reasons, this variant has been classified as Pathogenic.

Literature cited by the submitters: PubMed 15235021 (cited by Labcorp Genetics (formerly Invitae), Labcorp); PubMed 20373070 (cited by Labcorp Genetics (formerly Invitae), Labcorp).